The following is an entry in ClinVar:

NM_020207.7(ERCC6L2):c.952G>C (p.Ala318Pro)

Gene: ERCC6L2 (ERCC excision repair 6 like 2; plus strand). Cytogenetic location: 9q22.32.
Variant type: single nucleotide variant.
Coding change: c.952G>C on transcript NM_020207.7 (MANE Select); coding-DNA position 952, G replaced by C.
Protein change: p.Ala318Pro; replaces alanine 318 with proline.
Molecular consequence: missense variant. On other transcripts: non-coding transcript variant (1).
Genome position (GRCh38, 1-based): chr9:95,916,228, G>C. VCF-style: chr9-95916228-G-C. GRCh37 (hg19) VCF-style: chr9-98678510-G-C.
Other names: c.952G>C, p.Ala318Pro (NM_001010895.4, NM_001375291.1, NM_001375292.1 and 2 more transcripts); short protein forms A318P.
Identifiers: ClinVar variation 3845804 (VCV003845804.1).

ClinVar aggregate classification (germline): Uncertain significance (1 of 4 stars; one submission).

Conditions:
Inborn genetic diseases. Identifiers: MedGen C0950123, MeSH D030342.

Submission:

Ambry Genetics
Classification: Uncertain significance for Inborn genetic diseases. Last evaluated: 2024-12-19. Review status: criteria provided, single submitter. Criteria: Ambry Variant Classification Scheme 2023. Collection method: clinical testing. Allele origin: germline.
Comment: The p.A318P variant (also known as c.952G>C), located in coding exon 6 of the ERCC6L2 gene, results from a G to C substitution at nucleotide position 952. The alanine at codon 318 is replaced by proline, an amino acid with highly similar properties. This amino acid position is conserved. In addition, this alteration is predicted to be deleterious by in silico analysis. Based on the available evidence, the clinical significance of this variant remains unclear.